The following is an entry in ClinVar:

NM_001409.4(MEGF6):c.3186G>T (p.Ala1062=)

Gene: MEGF6 (multiple EGF like domains 6; minus strand). Cytogenetic location: 1p36.32.
Variant type: single nucleotide variant.
Coding change: c.3186G>T on transcript NM_001409.4 (MANE Select); coding-DNA position 3186, G replaced by T.
Protein change: p.Ala1062=; no amino-acid change (alanine 1062 retained).
Molecular consequence: synonymous variant.
Genome position (GRCh38, 1-based): chr1:3,498,735, C>A on the plus strand (G>T on the coding strand, the complement: MEGF6 is on the minus strand). VCF-style: chr1-3498735-C-A. GRCh37 (hg19) VCF-style: chr1-3415299-C-A.
Other names: c.2871G>T, p.Ala957= (NM_001410718.1).
Identifiers: ClinVar variation 2638098 (VCV002638098.24), dbSNP rs370693971, ClinGen allele CA546444.

ClinVar aggregate classification (germline): Likely benign (1 of 4 stars; one submission).

Allele frequency attached by ClinVar (database versions not stated): ESP Exome Variant Server 0.00008.
gnomAD v4.1: 364 of 1,566,150 alleles (0.023%); highest among the groups gnomAD compares: South Asian, 0.053%; no homozygotes.

Submission:

CeGaT Center for Human Genetics Tuebingen
Classification: Likely benign. Last evaluated: 2022-08-01. Review status: criteria provided, single submitter. Criteria: CeGaT Center For Human Genetics Tuebingen Variant Classification Criteria Version 2. Collection method: clinical testing. Allele origin: germline. Affected: yes. Observed: 1 variant allele.
Comment: MEGF6: BP4, BP7